The following is an entry in ClinVar:

ClinVar aggregate classification (germline): Conflicting classifications of pathogenicity. Review status: criteria provided, conflicting classifications (1 of 4 stars). 4 submissions from 4 submitters: Uncertain significance (1); Likely benign (3). Last evaluated 2024-05-20.

Conditions:
Familial cancer of breast. Also called: Hereditary breast cancer; BREAST CANCER, FAMILIAL; hereditary breast carcinoma. Identifiers: Orphanet 227535, MedGen C0346153, MONDO:0016419, OMIM 114480. Disease mechanism: loss of function.
Hereditary cancer-predisposing syndrome. Also called: Hereditary neoplastic syndrome; Tumor predisposition; Neoplastic Syndromes, Hereditary; Hereditary Cancer Syndrome. Identifiers: Orphanet 140162, MedGen C0027672, MeSH D009386, MONDO:0015356.
Ataxia-telangiectasia syndrome (AT). Also called: Ataxia telangiectasia (A-T); ATAXIA-TELANGIECTASIA, COMPLEMENTATION GROUP A; ATAXIA-TELANGIECTASIA, FRESNO VARIANT; Ataxia-telangiectasia; Ataxia-telangiectasia, complementation group D; AT, COMPLEMENTATION GROUP C. Identifiers: Orphanet 100, MedGen C0004135, MONDO:0008840, OMIM 208900.

Submissions (4):

Myriad Genetics, Inc.
Classification: Likely benign for Familial cancer of breast. Last evaluated: 2024-05-20. Review status: criteria provided, single submitter. Criteria: Myriad Autosomal Dominant, Autosomal Recessive and X-Linked Classification Criteria (2023). Collection method: clinical testing. Allele origin: unknown.
Comment: This variant is considered likely benign. This variant is intronic and is not expected to impact mRNA splicing.

Blueprint Genetics
Classification: Likely benign. Last evaluated: 2023-08-17. Review status: criteria provided, single submitter. Criteria: ACMG Guidelines, 2015. Collection method: clinical testing. Allele origin: germline.

Labcorp Genetics (formerly Invitae), Labcorp
Classification: Likely benign for Ataxia-telangiectasia syndrome. Last evaluated: 2023-06-15. Review status: criteria provided, single submitter. Criteria: Invitae Variant Classification Sherloc (09022015). Collection method: clinical testing. Allele origin: germline.

Sema4
Classification: Uncertain significance for Hereditary cancer-predisposing syndrome. Last evaluated: 2022-03-15. Review status: criteria provided, single submitter. Criteria: Sema4 Curation Guidelines. Collection method: curation. Allele origin: germline.
Comment: The ATM c.4612-8A>G variant has not been reported in the literature to our knowledge. This variant was not observed in the large and broad cohorts of the Genome Aggregation Database (PMID: 32461654) but has been reported in ClinVar (Variation ID: 524478). In silico tools suggest that the variant does not affect normal splicing, though these predictions have not been confirmed by functional studies. The evidence is insufficient to meet ACMG/AMP criteria for classifying the variant as benign or pathogenic. Thus, the clinical significance of this variant is currently uncertain.

NM_000051.4(ATM):c.4612-8A>G

Gene: ATM (ATM serine/threonine kinase; plus strand). Cytogenetic location: 11q22.3.
Variant type: single nucleotide variant.
Coding change: c.4612-8A>G on transcript NM_000051.4 (MANE Select); 8 bases into the intron before coding-DNA position 4612, A replaced by G.
Molecular consequence: intron variant.
Genome position (GRCh38, 1-based): chr11:108,293,305, A>G. VCF-style: chr11-108293305-A-G. GRCh37 (hg19) VCF-style: chr11-108164032-A-G.
Other names: c.4612-8A>G (NM_001351834.2).
Identifiers: ClinVar variation 524478 (VCV000524478.11), dbSNP rs1555100341, ClinGen allele CA658797723.
Genomic context (GRCh38, chr11:108,293,305, plus strand): 5'-TAAGTTTTGTTGGCTTACTTTAAAATTATTTCTCTCCTTATAATTTTTTCTTTTTAAATT[A>G]TATTTAGGTATTGGACTTGTTGAAATACTTAGTGATAGATAACAAGGATAATGAAAACCT-3'